The following is an entry in ClinVar:

NM_004360.5(CDH1):c.1A>G (p.Met1Val)

Gene: CDH1 (cadherin 1; plus strand). Cytogenetic location: 16q22.1.
Variant type: single nucleotide variant.
Coding change: c.1A>G on transcript NM_004360.5 (MANE Select); coding-DNA position 1, A replaced by G.
Protein change: p.Met1Val; changes the start codon (methionine 1).
Molecular consequence: missense variant, initiator codon variant. On other transcripts: 5 prime UTR variant (2).
Genome position (GRCh38, 1-based): chr16:68,737,416, A>G. VCF-style: chr16-68737416-A-G. GRCh37 (hg19) VCF-style: chr16-68771319-A-G.
Other names: NM_004360.5(CDH1):c.1A>G; p.Met1Val; c.1A>G (LRG_301t1); c.1A>G, p.Met1Val (NM_001317184.2); c.-1615A>G (NM_001317185.2); c.-1819A>G (NM_001317186.2); short protein forms M1V.
Identifiers: ClinVar variation 532457 (VCV000532457.18), dbSNP rs1555509622, ClinGen allele CA396451176.

ClinVar aggregate classification (germline): Pathogenic. Review status: reviewed by expert panel (3 of 4 stars). 6 submissions from 6 submitters: Pathogenic (1). 5 of the submissions do not count toward it. Last evaluated 2023-08-25.

Conditions:
Hereditary cancer-predisposing syndrome. Also called: Neoplastic Syndromes, Hereditary; Hereditary neoplastic syndrome; Tumor predisposition; Hereditary Cancer Syndrome. Identifiers: Orphanet 140162, MedGen C0027672, MeSH D009386, MONDO:0015356.
Hereditary diffuse gastric adenocarcinoma (HDGC). Also called: DIFFUSE GASTRIC AND LOBULAR BREAST CANCER SYNDROME. Identifiers: Orphanet 26106, MedGen C1708349, MONDO:0007648, OMIM 137215.
CDH1-related diffuse gastric and lobular breast cancer syndrome. Also called: CDH1-related diffuse gastric and lobular breast cancer. Identifiers: MedGen CN311521, MONDO:0100488.

Submissions (6):

Clingen Gastric Cancer Variant Curation Expert Panel
Classification: Pathogenic for CDH1-related diffuse gastric and lobular breast cancer syndrome. Last evaluated: 2023-08-25. Review status: reviewed by expert panel. Criteria: ClinGen CDH1 ACMG Specifications V3.1. Collection method: curation. Allele origin: germline. Inheritance: Autosomal dominant inheritance.
Comment: The c.1A>G (p.Met1Val) variant alters the start codon of the CDH1 coding sequence and is predicted to lead to an absent protein (PVS1). This variant is absent in the gnomAD cohort (PM2_supporting). This variant has been reported in at least one proband meeting HDGC clinical criteria (PS4_supporting; SCV000760810.2). This variant was also found to co-segregate with disease in multiple affected family members (PP1; SCV000760810.2). In summary, this variant meets criteria to be classified as pathogenic based on the ACMG/AMP Variant Interpretation Guidelines Version 3.1 as specified by the CDH1 Variant Curation Expert Panel: PVS1, PS4_supporting, PM2_supporting, PP1.

Labcorp Genetics (formerly Invitae), Labcorp
Classification: Pathogenic for Hereditary diffuse gastric adenocarcinoma. Last evaluated: 2025-05-12. Review status: criteria provided, single submitter. Criteria: Invitae Variant Classification Sherloc (09022015). Collection method: clinical testing. Allele origin: germline. Not counted in ClinVar's aggregate classification.
Comment: This sequence change affects the initiator codon of the CDH1 mRNA. This change may impact translation initiation or efficiency. The next in-frame methionine is located at codon 246. This variant is not present in population databases (gnomAD no frequency). Disruption of the initiator codon has been observed in individuals with a personal or family history of diffuse gastric cancer and/or lobular breast cancer (PMID: 16061854, 20373070, 28202063; internal data). It has also been observed to segregate with disease in related individuals. ClinVar contains an entry for this variant (Variation ID: 532457). For these reasons, this variant has been classified as Pathogenic.

Ambry Genetics
Classification: Pathogenic for Hereditary cancer-predisposing syndrome. Last evaluated: 2025-01-16. Review status: criteria provided, single submitter. Criteria: Ambry Variant Classification Scheme 2023. Collection method: clinical testing. Allele origin: germline. Not counted in ClinVar's aggregate classification.
Comment: The p.M1? pathogenic mutation (also known as c.1A>G) is located in coding exon 1 of the CDH1 gene and results from a A to G substitution at nucleotide position 1. This alters the methionine residue at the initiation codon (ATG). Though this exact mutation has not been reported in the literature, other initiation codon alterations (c.2T>C and c.3G>A) have been reported in multiple individuals with diffuse gastric cancer and/or lobular breast cancer (Pandalai PK et al. Surgery, 2011 Mar;149:347-55; Jalkh N et al. BMC Med Genomics, 2017 Feb;10:8; Hansford S et al. JAMA Oncol 2015 Apr;1(1):23-32; Guilford P et al. Gastric Cancer 2010 Mar; 13(1):1-10; Ambry internal data). In addition to the clinical data presented in the literature, sequence variations that modify the initiation codon are expected to result in either loss of translation initiation, N-terminal truncation, or cause a shift in the mRNA reading frame. This variant is considered to be rare based on population cohorts in the Genome Aggregation Database (gnomAD). Based on the supporting evidence, this alteration is interpreted as a disease-causing mutation.

Molecular Diagnostics Laboratory, Catalan Institute of Oncology
Classification: Likely pathogenic for Hereditary cancer-predisposing syndrome. Last evaluated: 2024-10-15. Review status: criteria provided, single submitter. Criteria: ClinGen CDH1 ACMG Specifications CDH1 V3.1.0. Collection method: clinical testing. Allele origin: germline. Not counted in ClinVar's aggregate classification.
Comment: PVS1, PM2_Supporting c.1A>G, located in the initiation codon of CDH1 gene, where there is no alternative start codon in other transcripts until amino acid position 246, is predicted to lead to an absent protein (PVS1). It is not present in the population database gnomAD v2.1.1, non-cancer dataset (PM2_supporting). To our knowledge, neither relevant clinical data nor well-established functional studies have been reported for this variant. This variant has been reported in the ClinVar database (1x pathogenic, 3x likely pathogenic), and has not been reported in the LOVD. Based on currently available information, the variant c.1A>G should be considered a likely pathogenic variant, according to ACMG/AMP guidelines.

Myriad Genetics, Inc.
Classification: Likely pathogenic for Hereditary diffuse gastric adenocarcinoma. Last evaluated: 2023-06-08. Review status: criteria provided, single submitter. Criteria: Myriad Autosomal Dominant, Autosomal Recessive and X-Linked Classification Criteria (2023). Collection method: clinical testing. Allele origin: unknown. Not counted in ClinVar's aggregate classification.
Comment: This variant is considered likely pathogenic. This variant is located within the gene translation start codon (p.Met1?) and is predicted to result in abnormal protein translation.

Mendelics
Classification: Pathogenic for Hereditary diffuse gastric adenocarcinoma. Last evaluated: 2019-05-28. Review status: criteria provided, single submitter. Criteria: Mendelics Assertion Criteria 2017. Collection method: clinical testing. Allele origin: unknown. Not counted in ClinVar's aggregate classification.

Literature cited by the submitters: PubMed 16061854 (cited by Labcorp Genetics (formerly Invitae), Labcorp); PubMed 20373070 (cited by Labcorp Genetics (formerly Invitae), Labcorp); PubMed 28202063 (cited by Labcorp Genetics (formerly Invitae), Labcorp).